The following is an entry in ClinVar:

ClinVar aggregate classification (germline): Pathogenic (1 of 4 stars; one submission).

Conditions:
Dopa-responsive dystonia due to sepiapterin reductase deficiency. Also called: DYT-SPR; SPR DEFICIENCY; Sepiapterin reductase deficiency. Identifiers: Orphanet 70594, MedGen C0268468, MONDO:0012994, OMIM 612716.

Submission:

Palindrome, Gene Kavoshgaran Aria
Classification: Pathogenic for Dopa-responsive dystonia due to sepiapterin reductase deficiency. Last evaluated: 2024-12-22. Review status: criteria provided, single submitter. Criteria: ACMG Guidelines, 2015. Collection method: clinical testing. Allele origin: germline. Inheritance: Autosomal recessive inheritance. Affected: yes. Observed: 1 homozygote.
Comment: It is a loss of function mutation (PVS1) with zero frequency in gnomAD and our internal database (PM2), and the gene condition matches well with the patient phenotype (PP4).

NM_003124.5(SPR):c.3G>A (p.Met1Ile)

Genes: SPR (sepiapterin reductase; plus strand), LOC129934069 (ATAC-STARR-seq lymphoblastoid silent region 11626; plus strand). Cytogenetic location: 2p13.2.
Variant type: single nucleotide variant.
Coding change: c.3G>A on transcript NM_003124.5 (MANE Select); coding-DNA position 3, G replaced by A.
Protein change: p.Met1Ile; changes the start codon (methionine 1).
Molecular consequence: missense variant, initiator codon variant.
Genome position (GRCh38, 1-based): chr2:72,887,435, G>A. VCF-style: chr2-72887435-G-A. GRCh37 (hg19) VCF-style: chr2-73114564-G-A.
Other names: short protein forms M1I.
Identifiers: ClinVar variation 3775092 (VCV003775092.1).